The following is an entry in ClinVar:

NM_019032.6(ADAMTSL4):c.2944T>C (p.Cys982Arg)

Gene: ADAMTSL4 (ADAMTS like 4; plus strand). Cytogenetic location: 1q21.2.
Variant type: single nucleotide variant.
Coding change: c.2944T>C on transcript NM_019032.6 (MANE Select); coding-DNA position 2944, T replaced by C.
Protein change: p.Cys982Arg; replaces cysteine 982 with arginine.
Molecular consequence: missense variant.
Genome position (GRCh38, 1-based): chr1:150,559,761, T>C. VCF-style: chr1-150559761-T-C. GRCh37 (hg19) VCF-style: chr1-150532237-T-C.
Other names: c.2827T>C, p.Cys943Arg (NM_001288607.2); c.3013T>C, p.Cys1005Arg (NM_001288608.2); c.2944T>C, p.Cys982Arg (NM_001378596.1); short protein forms C1005R, C943R, C982R.
Identifiers: ClinVar variation 1716707 (VCV001716707.5), dbSNP rs2526795028, ClinGen allele CA342318107.

ClinVar aggregate classification (germline): Uncertain significance (1 of 4 stars; one submission).

Submission:

Labcorp Genetics (formerly Invitae), Labcorp
Classification: Uncertain significance. Last evaluated: 2022-08-19. Review status: criteria provided, single submitter. Criteria: Invitae Variant Classification Sherloc (09022015). Collection method: clinical testing. Allele origin: germline.
Comment: Algorithms developed to predict the effect of missense changes on protein structure and function (SIFT, PolyPhen-2, Align-GVGD) all suggest that this variant is likely to be disruptive. In summary, the available evidence is currently insufficient to determine the role of this variant in disease. Therefore, it has been classified as a Variant of Uncertain Significance. This variant has not been reported in the literature in individuals affected with ADAMTSL4-related conditions. This variant is not present in population databases (gnomAD no frequency). This sequence change replaces cysteine, which is neutral and slightly polar, with arginine, which is basic and polar, at codon 982 of the ADAMTSL4 protein (p.Cys982Arg).